The following is an entry in ClinVar:

NM_147686.4(TRAF3IP2):c.847C>T (p.Arg283Ter)

Genes: TRAF3IP2 (TRAF3 interacting protein 2; minus strand), TRAF3IP2-AS1 (TRAF3IP2 antisense RNA 1; plus strand). Cytogenetic location: 6q21.
Variant type: single nucleotide variant.
Coding change: c.847C>T on transcript NM_147686.4 (MANE Select); coding-DNA position 847, C replaced by T.
Protein change: p.Arg283Ter; replaces arginine 283 with a stop codon.
Molecular consequence: nonsense.
Genome position (GRCh38, 1-based): chr6:111,580,372, G>A on the plus strand (C>T on the coding strand, the complement: TRAF3IP2 is on the minus strand). VCF-style: chr6-111580372-G-A. GRCh37 (hg19) VCF-style: chr6-111901575-G-A.
Other names: c.847C>T, p.Arg283Ter (NM_001164281.3); c.874C>T, p.Arg292Ter (NM_147200.3); short protein forms R283*, R292*.
Identifiers: ClinVar variation 3718612 (VCV003718612.2).

ClinVar aggregate classification (germline): Pathogenic (1 of 4 stars; one submission).

Conditions:
Candidiasis, familial, 8 (CANDF8). Identifiers: Orphanet 1334, MedGen C3714992, MONDO:0014230, OMIM 615527.

gnomAD v4.1: 10 of 1,562,856 alleles (0.00064%); highest among the groups gnomAD compares: African/African-American, 0.0014%; no homozygotes.

Submission:

Labcorp Genetics (formerly Invitae), Labcorp
Classification: Pathogenic for Candidiasis, familial, 8. Last evaluated: 2024-08-23. Review status: criteria provided, single submitter. Criteria: Invitae Variant Classification Sherloc (09022015). Collection method: clinical testing. Allele origin: germline.
Comment: This sequence change creates a premature translational stop signal (p.Arg283*) in the TRAF3IP2 gene. It is expected to result in an absent or disrupted protein product. Loss-of-function variants in TRAF3IP2 are known to be pathogenic (PMID: 24120361). This variant is present in population databases (rs774729962, gnomAD 0.009%). This premature translational stop signal has been observed in individual(s) with chronic mucocutaneous candidiasis (PMID: 31292894). For these reasons, this variant has been classified as Pathogenic.

Literature cited by the submitters: PubMed 24120361; PubMed 31292894.